The following is an entry in ClinVar:

ClinVar aggregate classification (germline): Conflicting classifications of pathogenicity. Review status: criteria provided, conflicting classifications (1 of 4 stars). 3 submissions from 3 submitters: Uncertain significance (2); Likely benign (1). Last evaluated 2025-12-31.

Conditions:
DST-related disorder. Also called: DST-related condition; DST-related disorders.
Inborn genetic diseases. Identifiers: MedGen C0950123, MeSH D030342.
Epidermolysis bullosa simplex 3, localized or generalized intermediate, with BP230 deficiency (EBS3). Also called: Epidermolysis bullosa simplex, autosomal recessive 2; Epidermolysis bullosa simplex due to BP230 deficiency. Identifiers: Orphanet 412181, MedGen C3809470, MONDO:0014180, OMIM 615425.
Hereditary sensory and autonomic neuropathy type 6. Also called: HSAN VI; Neuropathy, hereditary sensory and autonomic, type VI. Identifiers: Orphanet 314381, MedGen C3539003, MONDO:0013839, OMIM 614653.

Allele frequency attached by ClinVar (database versions not stated): ExAC 0.00003; gnomAD exomes 0.00003; TOPMed 0.00004; gnomAD 0.00006.
gnomAD v4.1: 175 of 1,607,960 alleles (0.011%); highest among the groups gnomAD compares: Non-Finnish European, 0.014%; no homozygotes.

Submissions (3):

PreventionGenetics, part of Exact Sciences
Classification: Likely benign for DST-related condition. Last evaluated: 2025-12-31. Review status: criteria provided, single submitter. Criteria: ACMG Guidelines, 2015. Collection method: clinical testing. Allele origin: germline.
Comment: This variant is classified as likely benign based on ACMG/AMP sequence variant interpretation guidelines (Richards et al. 2015 PMID: 25741868, with internal and published modifications).

Ambry Genetics
Classification: Uncertain significance for Inborn genetic diseases. Last evaluated: 2023-09-15. Review status: criteria provided, single submitter. Criteria: Ambry Variant Classification Scheme 2023. Collection method: clinical testing. Allele origin: germline.

Labcorp Genetics (formerly Invitae), Labcorp
Classification: Uncertain significance for Epidermolysis bullosa simplex 3, localized or generalized intermediate, with BP230 deficiency; Hereditary sensory and autonomic neuropathy type 6. Last evaluated: 2021-12-03. Review status: criteria provided, single submitter. Criteria: Invitae Variant Classification Sherloc (09022015). Collection method: clinical testing. Allele origin: germline.
Comment: The DST gene has multiple clinically relevant transcripts. This variant occurs in alternate transcript NM_015548.4, and corresponds to NM_001723.5:c.*1136G>C in the primary transcript. This sequence change replaces glycine, which is neutral and non-polar, with alanine, which is neutral and non-polar, at codon 1141 of the DST protein (p.Gly1141Ala). This variant is present in population databases (rs751524469, gnomAD 0.008%). This variant has not been reported in the literature in individuals affected with DST-related conditions. ClinVar contains an entry for this variant (Variation ID: 970814). Experimental studies and prediction algorithms are not available or were not evaluated, and the functional significance of this variant is currently unknown. In summary, the available evidence is currently insufficient to determine the role of this variant in disease. Therefore, it has been classified as a Variant of Uncertain Significance.

NM_001374736.1(DST):c.5033G>C (p.Gly1678Ala)

Gene: DST (dystonin; minus strand). Cytogenetic location: 6p12.1.
Variant type: single nucleotide variant.
Coding change: c.5033G>C on transcript NM_001374736.1 (MANE Select); coding-DNA position 5033, G replaced by C.
Protein change: p.Gly1678Ala; replaces glycine 1678 with alanine.
Molecular consequence: missense variant.
Genome position (GRCh38, 1-based): chr6:56,614,381, C>G on the plus strand (G>C on the coding strand, the complement: DST is on the minus strand). VCF-style: chr6-56614381-C-G. GRCh37 (hg19) VCF-style: chr6-56479179-C-G.
Other names: c.4934G>C, p.Gly1645Ala (NM_001144769.5); c.4520G>C, p.Gly1507Ala (NM_001144770.2); c.5033G>C, p.Gly1678Ala (NM_001374722.1); c.4400G>C, p.Gly1467Ala (NM_001374729.1, NM_001374730.1, NM_183380.4); c.5060G>C, p.Gly1687Ala (NM_001374734.1); c.3422G>C, p.Gly1141Ala (NM_015548.5); short protein forms G1141A, G1467A, G1507A, G1645A, G1678A, G1687A.
Identifiers: ClinVar variation 970814 (VCV000970814.8), dbSNP rs751524469, ClinGen allele CA3869835.
Genomic context (GRCh38, chr6:56,614,381, plus strand): 5'-TATTATTATTATTAAACCAGGACTTCTGTGAATACCTTTTGCTTAGAGAAGGGAGGTTTT[C>G]CAGCCTTCTCTGCATCTTTCAATGTCTTGCTGATATTTGATACCCATTTTTGCAATTCTT-3'
Protein context (NP_001361665.1, residues 1668-1688): SKTLKDAEKA[Gly1678Ala]KPPFSKQKIS